The following is an entry in ClinVar:

ClinVar aggregate classification (germline): Uncertain significance. Review status: criteria provided, multiple submitters, no conflicts (2 of 4 stars). 2 submissions from 2 submitters: Uncertain significance (2). Last evaluated 2022-08-19.

Conditions:
Inborn genetic diseases. Identifiers: MedGen C0950123, MeSH D030342.
Epidermodysplasia verruciformis. Identifiers: Orphanet 302, MedGen C0014522, MONDO:0009176.

Allele frequency attached by ClinVar (database versions not stated): ESP Exome Variant Server 0.00008; gnomAD 0.00002; TOPMed 0.00004; gnomAD exomes 0.00010; ExAC 0.00013.
gnomAD v4.1: 44 of 1,613,942 alleles (0.0027%); highest among the groups gnomAD compares: Admixed American, 0.035%; no homozygotes.

Submissions (2):

Labcorp Genetics (formerly Invitae), Labcorp
Classification: Uncertain significance for Epidermodysplasia verruciformis. Last evaluated: 2022-08-19. Review status: criteria provided, single submitter. Criteria: Invitae Variant Classification Sherloc (09022015). Collection method: clinical testing. Allele origin: germline.
Comment: This sequence change replaces arginine, which is basic and polar, with tryptophan, which is neutral and slightly polar, at codon 591 of the TMC6 protein (p.Arg591Trp). This variant is present in population databases (rs142184953, gnomAD 0.05%). This variant has not been reported in the literature in individuals affected with TMC6-related conditions. ClinVar contains an entry for this variant (Variation ID: 1044755). Algorithms developed to predict the effect of missense changes on protein structure and function are either unavailable or do not agree on the potential impact of this missense change (SIFT: "Not Available"; PolyPhen-2: "Probably Damaging"; Align-GVGD: "Not Available"). In summary, the available evidence is currently insufficient to determine the role of this variant in disease. Therefore, it has been classified as a Variant of Uncertain Significance.

Ambry Genetics
Classification: Uncertain significance for Inborn genetic diseases. Last evaluated: 2022-04-07. Review status: criteria provided, single submitter. Criteria: Ambry Variant Classification Scheme 2023. Collection method: clinical testing. Allele origin: germline.

NM_001127198.5(TMC6):c.1771C>T (p.Arg591Trp)

Gene: TMC6 (transmembrane channel like 6; minus strand). Cytogenetic location: 17q25.3.
Variant type: single nucleotide variant.
Coding change: c.1771C>T on transcript NM_001127198.5 (MANE Select); coding-DNA position 1771, C replaced by T.
Protein change: p.Arg591Trp; replaces arginine 591 with tryptophan.
Molecular consequence: missense variant.
Genome position (GRCh38, 1-based): chr17:78,119,337, G>A on the plus strand (C>T on the coding strand, the complement: TMC6 is on the minus strand). VCF-style: chr17-78119337-G-A. GRCh37 (hg19) VCF-style: chr17-76115418-G-A.
Other names: c.1771C>T, p.Arg591Trp (NM_001321185.1, NM_001374596.1, NM_001375353.1 and 2 more transcripts); c.1591C>T, p.Arg531Trp (NM_001374593.1, NM_001374594.1); c.1771C>T (NM_007267.6); short protein forms R531W, R591W.
Identifiers: ClinVar variation 1044755 (VCV001044755.5), dbSNP rs142184953, ClinGen allele CA8795574.
Genomic context (GRCh38, chr17:78,119,337, plus strand): 5'-GGCAAGCAGAGGACCCTCACCAGGTCAGAGTCTGCCCATAAATCAGCTCCAGGACATTCC[G>A]GGCAATGTCAAACTCCGGCTTCCGCCTCCTCTTCAGCTTCTTCTCGGAGATAATCCTGCC-3'
Protein context (NP_001120670.1, residues 581-601): RRRKPEFDIA[Arg591Trp]NVLELIYGQT